The following is an entry in ClinVar:

ClinVar aggregate classification (germline): Uncertain significance. Review status: criteria provided, multiple submitters, no conflicts (2 of 4 stars). 2 submissions from 2 submitters: Uncertain significance (2). Last evaluated 2025-11-26.

Conditions:
Deficiency of acetyl-CoA acetyltransferase. Also called: 3-KETOTHIOLASE DEFICIENCY; 3-OXOTHIOLASE DEFICIENCY; MITOCHONDRIAL ACETOACETYL-CoA THIOLASE DEFICIENCY; Beta-ketothiolase deficiency. Identifiers: Orphanet 134, MedGen C1536500, MONDO:0008760, OMIM 203750. Disease mechanism: loss of function.
Inborn genetic diseases. Identifiers: MedGen C0950123, MeSH D030342.

Allele frequency attached by ClinVar (database versions not stated): gnomAD 0.00007; TOPMed 0.00007; gnomAD exomes 0.00010 and 0.00011; ExAC 0.00012; 1000 Genomes Project 30x 0.00016; 1000 Genomes Project 0.00020.

Submissions (2):

Ambry Genetics
Classification: Uncertain significance for Inborn genetic diseases. Last evaluated: 2025-11-26. Review status: criteria provided, single submitter. Criteria: Ambry Variant Classification Scheme 2023. Collection method: clinical testing. Allele origin: germline.

Labcorp Genetics (formerly Invitae), Labcorp
Classification: Uncertain significance for Deficiency of acetyl-CoA acetyltransferase. Last evaluated: 2024-12-09. Review status: criteria provided, single submitter. Criteria: Invitae Variant Classification Sherloc (09022015). Collection method: clinical testing. Allele origin: germline.
Comment: This sequence change replaces histidine, which is basic and polar, with tyrosine, which is neutral and polar, at codon 400 of the ACAT1 protein (p.His400Tyr). This variant is present in population databases (rs201183545, gnomAD 0.04%). This variant has not been reported in the literature in individuals affected with ACAT1-related conditions. ClinVar contains an entry for this variant (Variation ID: 463522). Invitae Evidence Modeling of protein sequence and biophysical properties (such as structural, functional, and spatial information, amino acid conservation, physicochemical variation, residue mobility, and thermodynamic stability) indicates that this missense variant is not expected to disrupt ACAT1 protein function with a negative predictive value of 95%. In summary, the available evidence is currently insufficient to determine the role of this variant in disease. Therefore, it has been classified as a Variant of Uncertain Significance.

NM_000019.4(ACAT1):c.1198C>T (p.His400Tyr)

Gene: ACAT1 (acetyl-CoA acetyltransferase 1; plus strand). Cytogenetic location: 11q22.3.
Variant type: single nucleotide variant.
Coding change: c.1198C>T on transcript NM_000019.4 (MANE Select); coding-DNA position 1198, C replaced by T.
Protein change: p.His400Tyr; replaces histidine 400 with tyrosine.
Molecular consequence: missense variant.
Genome position (GRCh38, 1-based): chr11:108,147,304, C>T. VCF-style: chr11-108147304-C-T. GRCh37 (hg19) VCF-style: chr11-108018031-C-T.
Other names: c.1198C>T, p.His400Tyr (LRG_1400t1); short protein forms H400Y.
Identifiers: ClinVar variation 463522 (VCV000463522.7), dbSNP rs201183545, ClinGen allele CA6263403.